The following is an entry in ClinVar:

NM_001277062.2(MFF):c.351+184A>G

Gene: MFF (mitochondrial fission factor; plus strand). Cytogenetic location: 2q36.3.
Variant type: single nucleotide variant.
Coding change: c.351+184A>G on transcript NM_001277062.2 (MANE Select); 184 bases into the intron after coding-DNA position 351, A replaced by G.
Molecular consequence: intron variant.
Genome position (GRCh38, 1-based): chr2:227,332,772, A>G. VCF-style: chr2-227332772-A-G. GRCh37 (hg19) VCF-style: chr2-228197488-A-G.
Other names: c.429+184A>G (NM_001277061.2, NM_020194.5); c.351+184A>G (NM_001277063.2, NM_001277064.2, NM_001277065.2 and 2 more transcripts); c.201+184A>G (NM_001277067.1).
Identifiers: ClinVar variation 684246 (VCV000684246.1), dbSNP rs4444514, ClinGen allele CA15169006.

ClinVar aggregate classification (germline): Benign (1 of 4 stars; one submission).

Allele frequency attached by ClinVar (database versions not stated): TOPMed 0.95407; 1000 Genomes Project 30x 0.95565; 1000 Genomes Project 0.95567; gnomAD 0.95623 and 0.95777.

Submission:

GeneDx
Classification: Benign. Last evaluated: 2018-06-14. Review status: criteria provided, single submitter. Criteria: GeneDx Variant Classification (06012015). Collection method: clinical testing. Allele origin: germline. Affected: yes.
Comment: This variant is considered likely benign or benign based on one or more of the following criteria: it is a conservative change, it occurs at a poorly conserved position in the protein, it is predicted to be benign by multiple in silico algorithms, and/or has population frequency not consistent with disease.